The following is an entry in ClinVar:

NM_020338.4(ZMIZ1):c.2427C>T (p.Ser809=)

Gene: ZMIZ1 (zinc finger MIZ-type containing 1; plus strand). Cytogenetic location: 10q22.3.
Variant type: single nucleotide variant.
Coding change: c.2427C>T on transcript NM_020338.4 (MANE Select); coding-DNA position 2427, C replaced by T.
Protein change: p.Ser809=; no amino-acid change (serine 809 retained).
Molecular consequence: synonymous variant.
Genome position (GRCh38, 1-based): chr10:79,306,103, C>T. VCF-style: chr10-79306103-C-T. GRCh37 (hg19) VCF-style: chr10-81065860-C-T.
Identifiers: ClinVar variation 2175929 (VCV002175929.28), dbSNP rs1485389137, ClinGen allele CA470650645.
Genomic context (GRCh38, chr10:79,306,103, plus strand): 5'-TTTATGCCCAAAGCCAGGCACCCCGGAGCCTCAGCTCTGCCACCCTTCCTCCCCCAGCTC[C>T]GAGTTTGAAGAGGTCACCATCGATCCCACGTGCAGCTGGCGGCCGGTGCCCATCAAGTCG-3'
Protein context (NP_065071.1, residues 799-819): MWGILNAIQH[Ser809=]EFEEVTIDPT

ClinVar aggregate classification (germline): Likely benign. Review status: criteria provided, multiple submitters, no conflicts (2 of 4 stars). 2 submissions from 2 submitters: Likely benign (2). Last evaluated 2026-06-01.

Allele frequency attached by ClinVar (database versions not stated): gnomAD 0.00003; TOPMed 0.00003.
gnomAD v4.1: 54 of 1,610,384 alleles (0.0034%); highest among the groups gnomAD compares: Non-Finnish European, 0.0042%; 1 homozygote.

Submissions (2):

CeGaT Center for Human Genetics Tuebingen
Classification: Likely benign. Last evaluated: 2026-06-01. Review status: criteria provided, single submitter. Criteria: CeGaT Center For Human Genetics Tuebingen Variant Classification Criteria Version 2. Collection method: clinical testing. Allele origin: germline. Affected: yes. Observed: 3 variant alleles.
Comment: ZMIZ1: BP4, BP7

Labcorp Genetics (formerly Invitae), Labcorp
Classification: Likely benign. Last evaluated: 2025-09-08. Review status: criteria provided, single submitter. Criteria: Invitae Variant Classification Sherloc (09022015). Collection method: clinical testing. Allele origin: germline.